The following is an entry in ClinVar:

ClinVar aggregate classification (germline): Uncertain significance (1 of 4 stars; one submission).

Submission:

Labcorp Genetics (formerly Invitae), Labcorp
Classification: Uncertain significance. Last evaluated: 2024-12-18. Review status: criteria provided, single submitter. Criteria: Invitae Variant Classification Sherloc (09022015). Collection method: clinical testing. Allele origin: germline.
Comment: This sequence change replaces leucine, which is neutral and non-polar, with arginine, which is basic and polar, at codon 503 of the MBD4 protein (p.Leu503Arg). This variant is not present in population databases (gnomAD no frequency). This variant has not been reported in the literature in individuals affected with MBD4-related conditions. An algorithm developed to predict the effect of missense changes on protein structure and function (PolyPhen-2) suggests that this variant is likely to be disruptive. In summary, the available evidence is currently insufficient to determine the role of this variant in disease. Therefore, it has been classified as a Variant of Uncertain Significance.

NM_001276270.2(MBD4):c.1490T>G (p.Leu497Arg)

Gene: MBD4 (methyl-CpG binding domain 4, DNA glycosylase; minus strand). Cytogenetic location: 3q21.3.
Variant type: single nucleotide variant.
Coding change: c.1490T>G on transcript NM_001276270.2 (MANE Select); coding-DNA position 1490, T replaced by G.
Protein change: p.Leu497Arg; replaces leucine 497 with arginine.
Molecular consequence: missense variant.
Genome position (GRCh38, 1-based): chr3:129,433,151, A>C on the plus strand (T>G on the coding strand, the complement: MBD4 is on the minus strand). VCF-style: chr3-129433151-A-C. GRCh37 (hg19) VCF-style: chr3-129151994-A-C.
Other names: c.1508T>G, p.Leu503Arg (NM_001276271.2, NM_001276272.2, NM_003925.3); c.554T>G, p.Leu185Arg (NM_001276273.2); short protein forms L503R, L185R, L497R.
Identifiers: ClinVar variation 3664461 (VCV003664461.2).
Genomic context (GRCh38, chr3:129,433,151, plus strand): 5'-AAAATACCTGAGAACTTGACAATGGTTTTTGCCCGAAGATCGTAGAGACCAAGAGGTTTA[A>C]GAAGTTCTGACACATCTCTCCAGTCTGCGGTTCTTGCTACCTCAGCTGAAGGATACTTCT-3'
Protein context (NP_001263199.1, residues 487-507): TADWRDVSEL[Leu497Arg]KPLGLYDLRA